The following is an entry in ClinVar:

NM_004006.3(DMD):c.9900_9901dup (p.Val3301fs)

Gene: DMD (dystrophin; minus strand). Cytogenetic location: Xp21.2.
Variant type: Microsatellite.
Coding change: c.9900_9901dup on transcript NM_004006.3 (MANE Select); coding-DNA positions 9900 to 9901, 2 bases duplicated (AG; older notation c.9900_9901dupAG).
Protein change: p.Val3301fs; shifts the reading frame from valine 3301.
Molecular consequence: frameshift variant.
Genome position (GRCh38, 1-based): chrX:31,182,811-31,182,812, CT duplicated on the plus strand (AG on the coding strand, the reverse complement: DMD is on the minus strand); duplicating any 2 consecutive bases within chrX:31,182,811-31,182,814 gives the same sequence; the c. name uses the placement nearest the transcript's 3' end. VCF-style (leftmost placement, unchanged base first): chrX-31182810-A-ACT. GRCh37 (hg19) VCF-style: chrX-31200927-A-ACT.
Other names: c.9876_9877dup, p.Val3293fs (NM_000109.4); c.9888_9889dup, p.Val3297fs (NM_004009.3); c.9531_9532dup, p.Val3178fs (NM_004010.3); c.5877_5878dup, p.Val1960fs (NM_004011.4); c.5868_5869dup, p.Val1957fs (NM_004012.4); c.2520_2521dup, p.Val841fs (NM_004013.3, NM_004020.4, NM_004021.3 and 2 more transcripts); c.1713_1714dup, p.Val572fs (NM_004014.3); c.696_697dup, p.Val233fs (NM_004015.3, NM_004016.3, NM_004017.3 and 2 more transcripts); short protein forms V1957fs, V1960fs, V233fs, V3178fs, V3293fs, V3297fs, V3301fs, V572fs.
Identifiers: ClinVar variation 1711703 (VCV001711703.30), dbSNP rs2520022633, ClinGen allele CA2580616920.

ClinVar aggregate classification (germline): Pathogenic (1 of 4 stars; one submission).

Submission:

CeGaT Center for Human Genetics Tuebingen
Classification: Pathogenic. Last evaluated: 2022-08-01. Review status: criteria provided, single submitter. Criteria: CeGaT Center For Human Genetics Tuebingen Variant Classification Criteria Version 2. Collection method: clinical testing. Allele origin: germline. Affected: yes. Observed: 1 variant allele.
Comment: DMD: PVS1, PM2